The following is an entry in ClinVar:

NM_002951.5(RPN2):c.1684C>T (p.Arg562Trp)

Gene: RPN2 (ribophorin II; plus strand). Cytogenetic location: 20q11.23.
Variant type: single nucleotide variant.
Coding change: c.1684C>T on transcript NM_002951.5 (MANE Select); coding-DNA position 1684, C replaced by T.
Protein change: p.Arg562Trp; replaces arginine 562 with tryptophan.
Molecular consequence: missense variant.
Genome position (GRCh38, 1-based): chr20:37,234,026, C>T. VCF-style: chr20-37234026-C-T. GRCh37 (hg19) VCF-style: chr20-35862429-C-T.
Other names: c.1588C>T, p.Arg530Trp (NM_001135771.3, NM_001324299.2, NM_001324302.2); c.1732C>T, p.Arg578Trp (NM_001324301.2, NM_001324305.2); c.1684C>T, p.Arg562Trp (NM_001324303.2, NM_001324304.2); c.1213C>T, p.Arg405Trp (NM_001324306.2); short protein forms R530W, R578W, R405W, R562W.
Identifiers: ClinVar variation 2917736 (VCV002917736.3), dbSNP rs888471776, ClinGen allele CA314325277.

ClinVar aggregate classification (germline): Uncertain significance (1 of 4 stars; one submission).

Conditions:
Congenital disorder of glycosylation (CDG). Also called: Carbohydrate-deficient glycoprotein syndrome; Congenital disorders of glycosylation. Identifiers: Orphanet 137, MedGen C0282577, MONDO:0015286.

Allele frequency attached by ClinVar (database versions not stated): gnomAD 0.00001; gnomAD exomes 0.00001; TOPMed 0.00001.
gnomAD v4.1: 16 of 1,614,000 alleles (0.00099%); highest among the groups gnomAD compares: Non-Finnish European, 0.0014%; no homozygotes.

Submission:

Labcorp Genetics (formerly Invitae), Labcorp
Classification: Uncertain significance for Congenital disorder of glycosylation. Last evaluated: 2023-04-10. Review status: criteria provided, single submitter. Criteria: Invitae Variant Classification Sherloc (09022015). Collection method: clinical testing. Allele origin: germline.
Comment: In summary, the available evidence is currently insufficient to determine the role of this variant in disease. Therefore, it has been classified as a Variant of Uncertain Significance. An algorithm developed to predict the effect of missense changes on protein structure and function (PolyPhen-2) suggests that this variant is likely to be disruptive. This variant has not been reported in the literature in individuals affected with RPN2-related conditions. This variant is present in population databases (no rsID available, gnomAD 0.002%). This sequence change replaces arginine, which is basic and polar, with tryptophan, which is neutral and slightly polar, at codon 562 of the RPN2 protein (p.Arg562Trp).